The following is an entry in ClinVar:

ClinVar aggregate classification (germline): Pathogenic (0 of 4 stars; one submission).

Conditions:
PTCH1-related disorder. Also called: PTCH1-related disorders; PTCH1-related condition.

Submission:

PreventionGenetics, part of Exact Sciences
Classification: Pathogenic for PTCH1-related condition. Last evaluated: 2024-02-08. Review status: no assertion criteria provided. Collection method: clinical testing. Allele origin: germline.
Comment: The PTCH1 c.2287delG variant is predicted to result in a frameshift and premature protein termination (p.Val763Serfs*9). This variant was reported in an individual with nevoid basal cell carcinoma syndrome (Patient F10 in Savino et al 2004. PubMed ID: 15459969). This variant has not been reported in a large population database, indicating this variant is rare. Frameshift variants in PTCH1 are expected to be pathogenic. This variant is interpreted as pathogenic.

NM_000264.5(PTCH1):c.2287del (p.Val763fs)

Genes: PTCH1 (patched 1; minus strand), LOC100507346 (uncharacterized LOC100507346; plus strand). Cytogenetic location: 9q22.32.
Variant type: Deletion.
Coding change: c.2287del on transcript NM_000264.5 (MANE Select); coding-DNA position 2287, one base deleted (G; older notation c.2287delG).
Protein change: p.Val763fs; shifts the reading frame from valine 763.
Molecular consequence: frameshift variant. On other transcripts: non-coding transcript variant (1).
Genome position (GRCh38, 1-based): chr9:95,467,389, C deleted on the plus strand (G on the coding strand, the reverse complement: PTCH1 is on the minus strand); the first of 5 consecutive C bases (chr9:95,467,389-95,467,393); deleting any one gives the same sequence. VCF-style (leftmost placement, unchanged base first): chr9-95467388-AC-A. GRCh37 (hg19) VCF-style: chr9-98229670-AC-A.
Other names: c.2089del, p.Val697fs (NM_001083602.3); c.2284del, p.Val762fs (NM_001083603.3); c.1834del, p.Val612fs (NM_001083604.3, NM_001083605.3, NM_001083606.3 and 1 more transcripts); c.2131del, p.Val711fs (NM_001354918.2); c.2287delG (NM_000264.3); short protein forms V612fs, V697fs, V711fs, V762fs, V763fs.
Identifiers: ClinVar variation 3033204 (VCV003033204.2), dbSNP rs1840109796, ClinGen allele CA2579388959.